The following is an entry in ClinVar:

NM_006231.4(POLE):c.2590A>G (p.Ile864Val)

Gene: POLE (DNA polymerase epsilon, catalytic subunit; minus strand). Cytogenetic location: 12q24.33.
Variant type: single nucleotide variant.
Coding change: c.2590A>G on transcript NM_006231.4 (MANE Select); coding-DNA position 2590, A replaced by G.
Protein change: p.Ile864Val; replaces isoleucine 864 with valine.
Molecular consequence: missense variant.
Genome position (GRCh38, 1-based): chr12:132,664,120, T>C on the plus strand (A>G on the coding strand, the complement: POLE is on the minus strand). VCF-style: chr12-132664120-T-C. GRCh37 (hg19) VCF-style: chr12-133240706-T-C.
Other names: c.2590A>G (NM_006231.2); short protein forms I864V.
Identifiers: ClinVar variation 651520 (VCV000651520.11), dbSNP rs753146351, ClinGen allele CA6893492.

ClinVar aggregate classification (germline): Uncertain significance. Review status: criteria provided, multiple submitters, no conflicts (2 of 4 stars). 2 submissions from 2 submitters: Uncertain significance (2). Last evaluated 2024-09-08.

Conditions:
Hereditary cancer-predisposing syndrome. Also called: Neoplastic Syndromes, Hereditary; Tumor predisposition; Hereditary Cancer Syndrome; Hereditary neoplastic syndrome. Identifiers: Orphanet 140162, MedGen C0027672, MeSH D009386, MONDO:0015356.

Allele frequency attached by ClinVar (database versions not stated): gnomAD exomes below 0.00001; ExAC 0.00001.
gnomAD v4.1: 1 of 1,614,224 alleles (0.000062%); highest among the groups gnomAD compares: Non-Finnish European, 0.000085%; no homozygotes.

Submissions (2):

Labcorp Genetics (formerly Invitae), Labcorp
Classification: Uncertain significance. Last evaluated: 2024-09-08. Review status: criteria provided, single submitter. Criteria: Invitae Variant Classification Sherloc (09022015). Collection method: clinical testing. Allele origin: germline.
Comment: This sequence change replaces isoleucine, which is neutral and non-polar, with valine, which is neutral and non-polar, at codon 864 of the POLE protein (p.Ile864Val). This variant is not present in population databases (gnomAD no frequency). This variant has not been reported in the literature in individuals affected with POLE-related conditions. ClinVar contains an entry for this variant (Variation ID: 651520). Invitae Evidence Modeling of protein sequence and biophysical properties (such as structural, functional, and spatial information, amino acid conservation, physicochemical variation, residue mobility, and thermodynamic stability) indicates that this missense variant is expected to disrupt POLE protein function with a positive predictive value of 80%. In summary, the available evidence is currently insufficient to determine the role of this variant in disease. Therefore, it has been classified as a Variant of Uncertain Significance.

Ambry Genetics
Classification: Uncertain significance for Hereditary cancer-predisposing syndrome. Last evaluated: 2023-05-28. Review status: criteria provided, single submitter. Criteria: Ambry Variant Classification Scheme 2023. Collection method: clinical testing. Allele origin: germline.
Comment: The p.I864V variant (also known as c.2590A>G), located in coding exon 23 of the POLE gene, results from an A to G substitution at nucleotide position 2590. The isoleucine at codon 864 is replaced by valine, an amino acid with highly similar properties. This amino acid position is conserved. In addition, this alteration is predicted to be tolerated by in silico analysis. Since supporting evidence is limited at this time, the clinical significance of this alteration remains unclear.